The following is an entry in ClinVar:

NM_001173990.3(TMEM216):c.*6A>G

Gene: TMEM216 (transmembrane protein 216; plus strand). Cytogenetic location: 11q12.2.
Variant type: single nucleotide variant.
Coding change: c.*6A>G on transcript NM_001173990.3 (MANE Select); 6 bases downstream of the stop codon, A replaced by G.
Molecular consequence: 3 prime UTR variant.
Genome position (GRCh38, 1-based): chr11:61,398,282, A>G. VCF-style: chr11-61398282-A-G. GRCh37 (hg19) VCF-style: chr11-61165754-A-G.
Other names: c.*6A>G (NM_001173991.2, NM_001173991.3, NM_001330285.2 and 1 more transcripts).
Identifiers: ClinVar variation 596974 (VCV000596974.8), dbSNP rs541341560, ClinGen allele CA6034788.

ClinVar aggregate classification (germline): Uncertain significance. Review status: criteria provided, single submitter (1 of 4 stars). 3 submissions from 3 submitters: Uncertain significance (1). 2 of the submissions do not count toward it. Last evaluated 2018-04-26.

Conditions:
TMEM216-related disorder. Also called: TMEM216-related disorders; TMEM216-related condition.
Joubert syndrome 2 (JBTS2). Also called: CEREBELLOOCULORENAL SYNDROME 2. Identifiers: Orphanet 2318, MedGen C1842577, MONDO:0011963, OMIM 608091.

Allele frequency attached by ClinVar (database versions not stated): gnomAD below 0.00001 and 0.00005; 1000 Genomes Project 30x 0.00016; 1000 Genomes Project 0.00020.
gnomAD v4.1: 86 of 1,611,772 alleles (0.0053%); highest among the groups gnomAD compares: South Asian, 0.089%; 1 homozygote.

Submissions (3):

Eurofins Ntd Llc (ga)
Classification: Uncertain significance. Last evaluated: 2018-04-26. Review status: criteria provided, single submitter. Criteria: EGL ClinVar v180209 classification definitions. Collection method: clinical testing. Allele origin: germline. Observed: 1 variant allele, 1 heterozygote.

PreventionGenetics, part of Exact Sciences
Classification: Likely benign for TMEM216-related condition. Last evaluated: 2021-12-15. Review status: no assertion criteria provided. Collection method: clinical testing. Allele origin: germline. Not counted in ClinVar's aggregate classification.
Comment: This variant is classified as likely benign based on ACMG/AMP sequence variant interpretation guidelines (Richards et al. 2015 PMID: 25741868, with internal and published modifications).

Natera, Inc.
Classification: Benign for Joubert syndrome type 2. Last evaluated: 2020-04-14. Review status: no assertion criteria provided. Collection method: clinical testing. Allele origin: germline. Not counted in ClinVar's aggregate classification.